The following is an entry in ClinVar:

NM_001039141.3(TRIOBP):c.1576C>T (p.Pro526Ser)

Gene: TRIOBP (TRIO and F-actin binding protein; plus strand). Cytogenetic location: 22q13.1.
Variant type: single nucleotide variant.
Coding change: c.1576C>T on transcript NM_001039141.3 (MANE Select); coding-DNA position 1576, C replaced by T.
Protein change: p.Pro526Ser; replaces proline 526 with serine.
Molecular consequence: missense variant.
Genome position (GRCh38, 1-based): chr22:37,724,132, C>T. VCF-style: chr22-37724132-C-T. GRCh37 (hg19) VCF-style: chr22-38120139-C-T.
Other names: short protein forms P526S.
Identifiers: ClinVar variation 1925792 (VCV001925792.2), dbSNP rs2518173102, ClinGen allele CA411461548.

ClinVar aggregate classification (germline): Uncertain significance (1 of 4 stars; one submission).

Submission:

Labcorp Genetics (formerly Invitae), Labcorp
Classification: Uncertain significance. Last evaluated: 2022-07-15. Review status: criteria provided, single submitter. Criteria: Invitae Variant Classification Sherloc (09022015). Collection method: clinical testing. Allele origin: germline.
Comment: This sequence change replaces proline, which is neutral and non-polar, with serine, which is neutral and polar, at codon 526 of the TRIOBP protein (p.Pro526Ser). This variant is not present in population databases (gnomAD no frequency). This variant has not been reported in the literature in individuals affected with TRIOBP-related conditions. Algorithms developed to predict the effect of missense changes on protein structure and function output the following: SIFT: "Deleterious"; PolyPhen-2: "Possibly Damaging"; Align-GVGD: "Class C0". The serine amino acid residue is found in multiple mammalian species, which suggests that this missense change does not adversely affect protein function. In summary, the available evidence is currently insufficient to determine the role of this variant in disease. Therefore, it has been classified as a Variant of Uncertain Significance.